The following is an entry in ClinVar:

NM_000102.4(CYP17A1):c.3G>A (p.Met1Ile)

Gene: CYP17A1 (cytochrome P450 family 17 subfamily A member 1; minus strand). Cytogenetic location: 10q24.32.
Variant type: single nucleotide variant.
Coding change: c.3G>A on transcript NM_000102.4 (MANE Select); coding-DNA position 3, G replaced by A.
Protein change: p.Met1Ile; changes the start codon (methionine 1).
Molecular consequence: missense variant, initiator codon variant.
Genome position (GRCh38, 1-based): chr10:102,837,359, C>T on the plus strand (G>A on the coding strand, the complement: CYP17A1 is on the minus strand). VCF-style: chr10-102837359-C-T. GRCh37 (hg19) VCF-style: chr10-104597116-C-T.
Other names: short protein forms M1I.
Identifiers: ClinVar variation 1677197 (VCV001677197.7), dbSNP rs61754262, ClinGen allele CA212296265.

ClinVar aggregate classification (germline): Likely pathogenic. Review status: criteria provided, multiple submitters, no conflicts (2 of 4 stars). 4 submissions from 4 submitters: Likely pathogenic (4). Last evaluated 2024-10-08.

Conditions:
Congenital adrenal hyperplasia. Identifiers: Orphanet 418, MedGen C0001627, MONDO:0018479, HP:0008258.
Deficiency of steroid 17-alpha-monooxygenase. Also called: 17-alpha-hydroxylase/17,20-lyase deficiency; Congenital adrenal hyperplasia due to 17-alpha-hydroxylase deficiency; Congenital adrenal hyperplasia type 5; ADRENAL HYPERPLASIA V; 17-ALPHA-HYDROXYLASE DEFICIENCY. Identifiers: Orphanet 90793, MedGen C0268285, MONDO:0008730, OMIM 202110.

Allele frequency attached by ClinVar (database versions not stated): gnomAD exomes below 0.00001; TOPMed below 0.00001; gnomAD 0.00001.

Submissions (4):

Natera, Inc.
Classification: Likely pathogenic for Deficiency of steroid 17-alpha-monooxygenase. Last evaluated: 2024-10-08. Review status: criteria provided, single submitter. Criteria: Natera Variant Classification Schema (03/2026). Collection method: clinical testing. Allele origin: germline.
Comment: The c.3G>A variant in CYP17A1 is predicted to result in start loss due to disruption of the initiator methionine. This variant is expected to result in nonsense mediated decay, truncation, or a dysfunctional protein product. This variant is rare in the general population with a frequency below the threshold expected for the associated phenotype(s). Given the available evidence, this variant is classified as Likely Pathogenic.

Labcorp Genetics (formerly Invitae), Labcorp
Classification: Likely pathogenic. Last evaluated: 2023-10-20. Review status: criteria provided, single submitter. Criteria: Invitae Variant Classification Sherloc (09022015). Collection method: clinical testing. Allele origin: germline.
Comment: This sequence change affects the initiator methionine of the CYP17A1 mRNA. The next in-frame methionine is located at codon 49. This variant is present in population databases (rs61754262, gnomAD 0.003%). Disruption of the initiator codon has been observed in individual(s) with 17-alpha-hydroxylase deficiency and/or clinical features of CYP17A1-related conditions (PMID: 9855540, 14715827, 33864926, 35729303). In at least one individual the data is consistent with being in trans (on the opposite chromosome) from a pathogenic variant. ClinVar contains an entry for this variant (Variation ID: 1677197). In summary, the currently available evidence indicates that the variant is pathogenic, but additional data are needed to prove that conclusively. Therefore, this variant has been classified as Likely Pathogenic.

Fulgent Genetics
Classification: Likely pathogenic for Deficiency of steroid 17-alpha-monooxygenase. Last evaluated: 2022-05-19. Review status: criteria provided, single submitter. Criteria: ACMG Guidelines, 2015. Collection method: clinical testing. Allele origin: unknown.

Women's Health and Genetics/Laboratory Corporation of America, LabCorp
Classification: Likely pathogenic for Congenital adrenal hyperplasia. Last evaluated: 2022-03-28. Review status: criteria provided, single submitter. Criteria: LabCorp Variant Classification Summary - May 2015. Collection method: clinical testing. Allele origin: germline.
Comment: Variant summary: CYP17A1 c.3G>A (p.Met1?) alters the initiation codon and is predicted to result either in absence of the protein or truncation of the encoded protein due to translation initiation at a downstream codon. An alternative downstream in-frame start codon (Met 49) is located in the encoded protein. An activation of potential downstream translation initiation site would result in a shortened protein missing the first 48 amino acids from the protein sequence. Other pathogenic variants has been reported upstream of this alternate codon in the HGMD database. Additionally, two other initiation codon variants, namely c.3G>C and c.2T>C have also been reported in association with Steroid-17 alpha hydroxylase deficiency in the HGMD database. Two of three in-silico tools predict a damaging effect of the variant on protein function. The variant allele was found at a frequency of 4e-06 in 250590 control chromosomes. The available data on variant occurrences in the general population are insufficient to allow any conclusion about variant significance. c.3G>A has been reported in the literature in one allele of at-least one individual affected with Congenital Adrenal Hyperplasia (example, Wang_2021). These data do not allow any conclusion about variant significance. To our knowledge, no experimental evidence demonstrating an impact on protein function has been reported. No clinical diagnostic laboratories have submitted clinical-significance assessments for this variant to ClinVar after 2014. Based on the evidence outlined above, the variant was classified as likely pathogenic.

Literature cited by the submitters: PubMed 9855540 (cited by Labcorp Genetics (formerly Invitae), Labcorp); PubMed 14715827 (cited by Labcorp Genetics (formerly Invitae), Labcorp and Women's Health and Genetics/Laboratory Corporation of America, LabCorp); PubMed 33864926 (cited by Labcorp Genetics (formerly Invitae), Labcorp and Women's Health and Genetics/Laboratory Corporation of America, LabCorp); PubMed 35729303 (cited by Labcorp Genetics (formerly Invitae), Labcorp).